The following is an entry in ClinVar:

ClinVar aggregate classification (germline): Uncertain significance (1 of 4 stars; one submission).

Submission:

Greenwood Genetic Center Diagnostic Laboratories, Greenwood Genetic Center
Classification: Uncertain significance. Last evaluated: 2022-01-25. Review status: criteria provided, single submitter. Criteria: ACMG Guidelines, 2015. Collection method: clinical testing. Allele origin: germline. Affected: yes.
Comment: PP2

NM_001273.5(CHD4):c.430G>T (p.Asp144Tyr)

Gene: CHD4 (chromodomain helicase DNA binding protein 4; minus strand). Cytogenetic location: 12p13.31.
Variant type: single nucleotide variant.
Coding change: c.430G>T on transcript NM_001273.5 (MANE Select); coding-DNA position 430, G replaced by T.
Protein change: p.Asp144Tyr; replaces aspartic acid 144 with tyrosine.
Molecular consequence: missense variant.
Genome position (GRCh38, 1-based): chr12:6,601,968, C>A on the plus strand (G>T on the coding strand, the complement: CHD4 is on the minus strand). VCF-style: chr12-6601968-C-A. GRCh37 (hg19) VCF-style: chr12-6711134-C-A.
Other names: c.409G>T, p.Asp137Tyr (NM_001297553.2); c.430G>T, p.Asp144Tyr (NM_001363606.2); short protein forms D137Y, D144Y.
Identifiers: ClinVar variation 1676558 (VCV001676558.3), dbSNP rs1394252975, ClinGen allele CA383604432.